The following is an entry in ClinVar:

ClinVar aggregate classification (germline): Likely benign. Review status: criteria provided, multiple submitters, no conflicts (2 of 4 stars). 4 submissions from 4 submitters: Likely benign (4). Last evaluated 2026-01-10.

Conditions:
Cardiovascular phenotype. Identifiers: MedGen CN230736.
Catecholaminergic polymorphic ventricular tachycardia (CVPT). Also called: Catecholamine-induced polymorphic ventricular tachycardia. Identifiers: Orphanet 3286, MedGen C5574922, MONDO:0017990.
Catecholaminergic polymorphic ventricular tachycardia 1. Also called: VENTRICULAR TACHYCARDIA, STRESS-INDUCED POLYMORPHIC 1; VENTRICULAR TACHYCARDIA, CATECHOLAMINERGIC POLYMORPHIC, 1, WITH OR WITHOUT ATRIAL DYSFUNCTION AND/OR DILATED CARDIOMYOPATHY; RYR2-Related Catecholaminergic Polymorphic Ventricular Tachycardia. Identifiers: Orphanet 3286, MedGen C1631597, MONDO:0011484, OMIM 604772.
Cardiomyopathy (CMYO). Also called: Cardiomyopathies. Identifiers: Orphanet 167848, MedGen C0878544, MONDO:0004994, HP:0001638. Inheritance: Various modes of inheritance.

Allele frequency attached by ClinVar (database versions not stated): gnomAD exomes below 0.00001; gnomAD 0.00001; TOPMed 0.00001.

Submissions (4):

Labcorp Genetics (formerly Invitae), Labcorp
Classification: Likely benign for Catecholaminergic polymorphic ventricular tachycardia 1. Last evaluated: 2026-01-10. Review status: criteria provided, single submitter. Criteria: Invitae Variant Classification Sherloc (09022015). Collection method: clinical testing. Allele origin: germline.

Ambry Genetics
Classification: Likely benign for Cardiovascular phenotype. Last evaluated: 2025-10-14. Review status: criteria provided, single submitter. Criteria: Ambry Variant Classification Scheme 2023. Collection method: clinical testing. Allele origin: germline.

All of Us Research Program, National Institutes of Health
Classification: Likely benign for Catecholaminergic polymorphic ventricular tachycardia. Last evaluated: 2024-01-11. Review status: criteria provided, single submitter. Criteria: ACMG Guidelines, 2015. Collection method: clinical testing. Allele origin: germline. Inheritance: Autosomal dominant inheritance. Observed: 3 variant alleles, 3 heterozygotes.
Comment: This study involves interpretation of variants in research participants for the purpose of population health screening. Participant phenotype was not available at the time of variant classification. Additional details can be found in publication PMID: 35346344, PMCID: PMC8962531

Color Diagnostics, LLC DBA Color Health
Classification: Likely benign for Cardiomyopathy. Last evaluated: 2022-11-06. Review status: criteria provided, single submitter. Criteria: ACMG Guidelines, 2015. Collection method: clinical testing. Allele origin: germline.

NM_001035.3(RYR2):c.4191C>T (p.Tyr1397=)

Gene: RYR2 (ryanodine receptor 2; plus strand). Cytogenetic location: 1q43.
Variant type: single nucleotide variant.
Coding change: c.4191C>T on transcript NM_001035.3 (MANE Select); coding-DNA position 4191, C replaced by T.
Protein change: p.Tyr1397=; no amino-acid change (tyrosine 1397 retained).
Molecular consequence: synonymous variant.
Genome position (GRCh38, 1-based): chr1:237,591,769, C>T. VCF-style: chr1-237591769-C-T. GRCh37 (hg19) VCF-style: chr1-237755069-C-T.
Other names: c.4191C>T, p.Tyr1397= (LRG_402t1).
Identifiers: ClinVar variation 463599 (VCV000463599.13), dbSNP rs753181426, ClinGen allele CA39804062.